The following is an entry in ClinVar:

NM_000301.5(PLG):c.357A>T (p.Lys119Asn)

Gene: PLG (plasminogen; plus strand). Cytogenetic location: 6q26.
Variant type: single nucleotide variant.
Coding change: c.357A>T on transcript NM_000301.5 (MANE Select); coding-DNA position 357, A replaced by T.
Protein change: p.Lys119Asn; replaces lysine 119 with asparagine.
Molecular consequence: missense variant.
Genome position (GRCh38, 1-based): chr6:160,711,141, A>T. VCF-style: chr6-160711141-A-T. GRCh37 (hg19) VCF-style: chr6-161132173-A-T.
Other names: c.357A>T, p.Lys119Asn (NM_001168338.1); short protein forms K119N.
Identifiers: ClinVar variation 2866521 (VCV002866521.4), dbSNP rs377275189, ClinGen allele CA4087407.

ClinVar aggregate classification (germline): Uncertain significance. Review status: criteria provided, multiple submitters, no conflicts (2 of 4 stars). 2 submissions from 2 submitters: Uncertain significance (2). Last evaluated 2025-11-17.

Conditions:
Inborn genetic diseases. Identifiers: MedGen C0950123, MeSH D030342.

Allele frequency attached by ClinVar (database versions not stated): TOPMed 0.00014; ExAC 0.00007; gnomAD exomes 0.00016; gnomAD 0.00009; ESP Exome Variant Server 0.00015.
gnomAD v4.1: 249 of 1,612,060 alleles (0.015%); highest among the groups gnomAD compares: Non-Finnish European, 0.02%; no homozygotes.

Submissions (2):

Labcorp Genetics (formerly Invitae), Labcorp
Classification: Uncertain significance. Last evaluated: 2025-11-17. Review status: criteria provided, single submitter. Criteria: Invitae Variant Classification Sherloc (09022015). Collection method: clinical testing. Allele origin: germline.
Comment: This sequence change replaces lysine, which is basic and polar, with asparagine, which is neutral and polar, at codon 119 of the PLG protein (p.Lys119Asn). This variant is present in population databases (rs377275189, gnomAD 0.02%). This variant has not been reported in the literature in individuals affected with PLG-related conditions. ClinVar contains an entry for this variant (Variation ID: 2866521). Invitae Evidence Modeling of protein sequence and biophysical properties (such as structural, functional, and spatial information, amino acid conservation, physicochemical variation, residue mobility, and thermodynamic stability) indicates that this missense variant is not expected to disrupt PLG protein function with a negative predictive value of 95%. In summary, the available evidence is currently insufficient to determine the role of this variant in disease. Therefore, it has been classified as a Variant of Uncertain Significance.

Ambry Genetics
Classification: Uncertain significance for Inborn genetic diseases. Last evaluated: 2022-12-21. Review status: criteria provided, single submitter. Criteria: Ambry Variant Classification Scheme 2023. Collection method: clinical testing. Allele origin: germline.